The following is an entry in ClinVar:

NM_001035.3(RYR2):c.7025G>T (p.Gly2342Val)

Gene: RYR2 (ryanodine receptor 2; plus strand). Cytogenetic location: 1q43.
Variant type: single nucleotide variant.
Coding change: c.7025G>T on transcript NM_001035.3 (MANE Select); coding-DNA position 7025, G replaced by T.
Protein change: p.Gly2342Val; replaces glycine 2342 with valine.
Molecular consequence: missense variant.
Genome position (GRCh38, 1-based): chr1:237,639,111, G>T. VCF-style: chr1-237639111-G-T. GRCh37 (hg19) VCF-style: chr1-237802411-G-T.
Other names: short protein forms G2342V.
Identifiers: ClinVar variation 1043645 (VCV001043645.10), dbSNP rs794728751, ClinGen allele CA345395929.

ClinVar aggregate classification (germline): Uncertain significance (1 of 4 stars; one submission).

Conditions:
Catecholaminergic polymorphic ventricular tachycardia 1. Also called: VENTRICULAR TACHYCARDIA, CATECHOLAMINERGIC POLYMORPHIC, 1, WITH OR WITHOUT ATRIAL DYSFUNCTION AND/OR DILATED CARDIOMYOPATHY; VENTRICULAR TACHYCARDIA, STRESS-INDUCED POLYMORPHIC 1; RYR2-Related Catecholaminergic Polymorphic Ventricular Tachycardia. Identifiers: Orphanet 3286, MedGen C1631597, MONDO:0011484, OMIM 604772.

Submission:

Labcorp Genetics (formerly Invitae), Labcorp
Classification: Uncertain significance for Catecholaminergic polymorphic ventricular tachycardia 1. Last evaluated: 2020-09-16. Review status: criteria provided, single submitter. Criteria: Invitae Variant Classification Sherloc (09022015). Collection method: clinical testing. Allele origin: germline.
Comment: Advanced modeling of protein sequence and biophysical properties (such as structural, functional, and spatial information, amino acid conservation, physicochemical variation, residue mobility, and thermodynamic stability) performed at Invitae indicates that this missense variant is expected to disrupt RYR2 protein function. This variant has been observed in individual(s) with clinical features of catecholaminergic polymorphic ventricular tachycardia (Invitae). This variant is not present in population databases (ExAC no frequency). This sequence change replaces glycine with valine at codon 2342 of the RYR2 protein (p.Gly2342Val). The glycine residue is highly conserved and there is a moderate physicochemical difference between glycine and valine. This variant disrupts the p.Gly2342 amino acid residue in RYR2. Other variant(s) that disrupt this residue have been observed in individuals with RYR2-related conditions (PMID: 29434162), which suggests that this may be a clinically significant amino acid residue. In summary, the available evidence is currently insufficient to determine the role of this variant in disease. Therefore, it has been classified as a Variant of Uncertain Significance.

Literature cited by the submitters: PubMed 29434162.